The following is an entry in ClinVar:

NM_032043.3(BRIP1):c.379+10dup

Gene: BRIP1 (BRCA1 interacting DNA helicase 1; minus strand). Cytogenetic location: 17q23.2.
Variant type: Duplication.
Coding change: c.379+10dup on transcript NM_032043.3 (MANE Select); 10 bases into the intron after coding-DNA position 379, one base duplicated (A; older notation c.379+10dupA).
Molecular consequence: intron variant.
Genome position (GRCh38, 1-based): chr17:61,857,048, T duplicated on the plus strand (A on the coding strand, the reverse complement: BRIP1 is on the minus strand). VCF-style (leftmost placement, unchanged base first): chr17-61857047-A-AT. GRCh37 (hg19) VCF-style: chr17-59934408-A-AT.
Identifiers: ClinVar variation 3378924 (VCV003378924.1).

ClinVar aggregate classification (germline): Benign (1 of 4 stars; one submission).

Conditions:
Familial cancer of breast. Also called: hereditary breast carcinoma; Hereditary breast cancer; BREAST CANCER, FAMILIAL. Identifiers: Orphanet 227535, MedGen C0346153, MONDO:0016419, OMIM 114480. Disease mechanism: loss of function.

Submission:

Myriad Genetics, Inc.
Classification: Benign for Familial cancer of breast. Last evaluated: 2024-08-21. Review status: criteria provided, single submitter. Criteria: Myriad Autosomal Dominant, Autosomal Recessive and X-Linked Classification Criteria (2023). Collection method: clinical testing. Allele origin: unknown.
Comment: This variant is considered benign. This variant is intronic and is not expected to impact mRNA splicing.